The following is an entry in ClinVar:

NM_172107.4(KCNQ2):c.55A>C (p.Lys19Gln)

Gene: KCNQ2 (potassium voltage-gated channel subfamily Q member 2; minus strand). Cytogenetic location: 20q13.33.
Variant type: single nucleotide variant.
Coding change: c.55A>C on transcript NM_172107.4 (MANE Select); coding-DNA position 55, A replaced by C.
Protein change: p.Lys19Gln; replaces lysine 19 with glutamine.
Molecular consequence: missense variant.
Genome position (GRCh38, 1-based): chr20:63,472,409, T>G on the plus strand (A>C on the coding strand, the complement: KCNQ2 is on the minus strand). VCF-style: chr20-63472409-T-G. GRCh37 (hg19) VCF-style: chr20-62103762-T-G.
Other names: c.55A>C, p.Lys19Gln (NM_001382235.1, NM_004518.6, NM_172106.3 and 2 more transcripts); short protein forms K19Q.
Identifiers: ClinVar variation 1748542 (VCV001748542.4), dbSNP rs2516746732, ClinGen allele CA409636043.
Genomic context (GRCh38, chr20:63,472,409, plus strand): 5'-CCCCGTCCCGGGTGGAGTCGGGCGCGCCGGGGTCCAGCCCCACGAAGCCCACCTTCAGCT[T>G]CTTCTCCCCGCTCGGGCCGGGGTATACGCCGCCGTTGCGCGACTTCTGCACCATGGTGCC-3'
Protein context (NP_742105.1, residues 9-29): GVYPGPSGEK[Lys19Gln]LKVGFVGLDP

ClinVar aggregate classification (germline): Uncertain significance. Review status: criteria provided, multiple submitters, no conflicts (2 of 4 stars). 2 submissions from 2 submitters: Uncertain significance (2). Last evaluated 2024-10-04.

Conditions:
Early-infantile DEE. Also called: Early infantile epileptic encephalopathy with suppression bursts; Early infantile epileptic encephalopathy; Ohtahara syndrome. Identifiers: Orphanet 1934, MedGen C0393706, MONDO:0800491.
Inborn genetic diseases. Identifiers: MedGen C0950123, MeSH D030342.

Allele frequency attached by ClinVar (database versions not stated): gnomAD exomes 0.00002.
gnomAD v4.1: 22 of 1,538,654 alleles (0.0014%); highest among the groups gnomAD compares: Non-Finnish European, 0.0019%; no homozygotes.

Submissions (2):

Labcorp Genetics (formerly Invitae), Labcorp
Classification: Uncertain significance for Early-infantile DEE. Last evaluated: 2024-10-04. Review status: criteria provided, single submitter. Criteria: Invitae Variant Classification Sherloc (09022015). Collection method: clinical testing. Allele origin: germline.
Comment: This sequence change replaces lysine, which is basic and polar, with glutamine, which is neutral and polar, at codon 19 of the KCNQ2 protein (p.Lys19Gln). This variant is not present in population databases (gnomAD no frequency). This variant has not been reported in the literature in individuals affected with KCNQ2-related conditions. ClinVar contains an entry for this variant (Variation ID: 1748542). Invitae Evidence Modeling of protein sequence and biophysical properties (such as structural, functional, and spatial information, amino acid conservation, physicochemical variation, residue mobility, and thermodynamic stability) indicates that this missense variant is expected to disrupt KCNQ2 protein function with a positive predictive value of 95%. In summary, the available evidence is currently insufficient to determine the role of this variant in disease. Therefore, it has been classified as a Variant of Uncertain Significance.

Ambry Genetics
Classification: Uncertain significance for Inborn genetic diseases. Last evaluated: 2018-12-03. Review status: criteria provided, single submitter. Criteria: Ambry Variant Classification Scheme 2023. Collection method: clinical testing. Allele origin: germline.
Comment: The p.K19Q variant (also known as c.55A>C), located in coding exon 1 of the KCNQ2 gene, results from an A to C substitution at nucleotide position 55. The lysine at codon 19 is replaced by glutamine, an amino acid with similar properties. This amino acid position is well conserved in available vertebrate species. In addition, the in silico prediction for this alteration is inconclusive. Since supporting evidence is limited at this time, the clinical significance of this alteration remains unclear.